The following is an entry in ClinVar:

ClinVar aggregate classification (germline): Likely benign. Review status: criteria provided, multiple submitters, no conflicts (2 of 4 stars). 3 submissions from 3 submitters: Likely benign (3). Last evaluated 2025-12-19.

Conditions:
Familial thoracic aortic aneurysm and aortic dissection (TAAD). Also called: Thoracic aortic aneurysms and dissections. Identifiers: Orphanet 91387, MedGen C4707243, MONDO:0019625.
Ehlers-Danlos syndrome, type 4 (EDSVASC). Also called: Ehlers-Danlos Syndrome Type IV; Ehlers-Danlos syndrome vascular type; Ehlers Danlos syndrome, ecchymotic type; Ehlers Danlos syndrome, arterial type; Ehlers Danlos syndrome, Sack-Barabas type. Identifiers: Orphanet 286, MedGen C0268338, MONDO:0017314, OMIM 130050.
COL3A1-related disorder. Also called: COL3A1-related condition.

Submissions (3):

PreventionGenetics, part of Exact Sciences
Classification: Likely benign for COL3A1-related condition. Last evaluated: 2025-12-19. Review status: criteria provided, single submitter. Criteria: ACMG Guidelines, 2015. Collection method: clinical testing. Allele origin: germline.
Comment: This variant is classified as likely benign based on ACMG/AMP sequence variant interpretation guidelines (Richards et al. 2015 PMID: 25741868, with internal and published modifications).

All of Us Research Program, National Institutes of Health
Classification: Likely benign for Ehlers-Danlos syndrome, type 4. Last evaluated: 2023-12-13. Review status: criteria provided, single submitter. Criteria: ACMG Guidelines, 2015. Collection method: clinical testing. Allele origin: germline. Inheritance: Autosomal dominant inheritance. Observed: 3 variant alleles, 3 heterozygotes.
Comment: This study involves interpretation of variants in research participants for the purpose of population health screening. Participant phenotype was not available at the time of variant classification. Additional details can be found in publication PMID: 35346344, PMCID: PMC8962531

Color Diagnostics, LLC DBA Color Health
Classification: Likely benign for Familial thoracic aortic aneurysm and aortic dissection. Last evaluated: 2019-05-03. Review status: criteria provided, single submitter. Criteria: ACMG Guidelines, 2015. Collection method: clinical testing. Allele origin: germline.

NM_000090.4(COL3A1):c.1663-9del

Gene: COL3A1 (collagen type III alpha 1 chain; plus strand). Cytogenetic location: 2q32.2.
Variant type: Deletion.
Coding change: c.1663-9del on transcript NM_000090.4 (MANE Select); 9 bases into the intron before coding-DNA position 1663, one base deleted (T; older notation c.1663-9delT).
Molecular consequence: intron variant.
Genome position (GRCh38, 1-based): chr2:188,996,389, T deleted; the last of 6 consecutive T bases (chr2:188,996,384-188,996,389); deleting any one gives the same sequence. VCF-style (leftmost placement, unchanged base first): chr2-188996383-AT-A. GRCh37 (hg19) VCF-style: chr2-189861109-AT-A.
Other names: c.1663-9delT (NM_000090.3).
Identifiers: ClinVar variation 924665 (VCV000924665.4), dbSNP rs770372880, ClinGen allele CA074537.